The following is an entry in ClinVar:

NM_198428.3(BBS9):c.1582A>G (p.Arg528Gly)

Gene: BBS9 (Bardet-Biedl syndrome 9; plus strand). Cytogenetic location: 7p14.3.
Variant type: single nucleotide variant.
Coding change: c.1582A>G on transcript NM_198428.3 (MANE Select); coding-DNA position 1582, A replaced by G.
Protein change: p.Arg528Gly; replaces arginine 528 with glycine.
Molecular consequence: missense variant. On other transcripts: non-coding transcript variant (3).
Genome position (GRCh38, 1-based): chr7:33,357,884, A>G. VCF-style: chr7-33357884-A-G. GRCh37 (hg19) VCF-style: chr7-33397496-A-G.
Other names: c.1477A>G, p.Arg493Gly (NM_001033604.2); c.1567A>G, p.Arg523Gly (NM_001033605.2); c.1582A>G, p.Arg528Gly (NM_001348036.1, NM_001348041.4, NM_001348043.3 and 3 more transcripts); c.1216A>G, p.Arg406Gly (NM_001348037.3, NM_001348045.3, NM_001348046.3); c.1309A>G, p.Arg437Gly (NM_001348038.3); c.1204A>G, p.Arg402Gly (NM_001348039.3); c.1462A>G, p.Arg488Gly (NM_001348040.3, NM_014451.4); c.1447A>G, p.Arg483Gly (NM_001348042.3); and 2 more; short protein forms R371G, R488G, R406G, R437G, R493G, R483G, R402G, R523G.
Identifiers: ClinVar variation 2077595 (VCV002077595.5), dbSNP rs775178031, ClinGen allele CA4214439.
Genomic context (GRCh38, chr7:33,357,884, plus strand): 5'-TATGAATCTACATATCTCTCTTTTATTTTAGGCATTCCGCGAGTTATCCAATGTAAATTT[A>G]GACTTCCCCTAAAGTTAATTTGCCTACCAGGTCAGCCTTCAAAAACTGCAAGCCACAAAA-3'
Protein context (NP_940820.1, residues 518-538): GIPRVIQCKF[Arg528Gly]LPLKLICLPG

ClinVar aggregate classification (germline): Uncertain significance. Review status: criteria provided, multiple submitters, no conflicts (2 of 4 stars). 3 submissions from 3 submitters: Uncertain significance (2). 1 of the submissions does not count toward it. Last evaluated 2024-05-06.

Conditions:
Inborn genetic diseases. Identifiers: MedGen C0950123, MeSH D030342.
Bardet-Biedl syndrome (BBS). Identifiers: Orphanet 110, MedGen C0752166, MONDO:0015229.
BBS9-related disorder. Also called: BBS9-related condition.

Allele frequency attached by ClinVar (database versions not stated): gnomAD 0.00001; TOPMed 0.00002; ExAC 0.00003; gnomAD exomes 0.00007.
gnomAD v4.1: 103 of 1,611,846 alleles (0.0064%); highest among the groups gnomAD compares: Non-Finnish European, 0.0087%; no homozygotes.

Submissions (3):

Ambry Genetics
Classification: Uncertain significance for Inborn genetic diseases. Last evaluated: 2024-05-06. Review status: criteria provided, single submitter. Criteria: Ambry Variant Classification Scheme 2023. Collection method: clinical testing. Allele origin: germline.

Labcorp Genetics (formerly Invitae), Labcorp
Classification: Uncertain significance for Bardet-Biedl syndrome. Last evaluated: 2022-07-18. Review status: criteria provided, single submitter. Criteria: Invitae Variant Classification Sherloc (09022015). Collection method: clinical testing. Allele origin: germline.
Comment: This sequence change replaces arginine, which is basic and polar, with glycine, which is neutral and non-polar, at codon 528 of the BBS9 protein (p.Arg528Gly). This variant is present in population databases (rs775178031, gnomAD 0.007%). This variant has not been reported in the literature in individuals affected with BBS9-related conditions. Algorithms developed to predict the effect of missense changes on protein structure and function are either unavailable or do not agree on the potential impact of this missense change (SIFT: "Deleterious"; PolyPhen-2: "Benign"; Align-GVGD: "Class C0"). In summary, the available evidence is currently insufficient to determine the role of this variant in disease. Therefore, it has been classified as a Variant of Uncertain Significance.

PreventionGenetics, part of Exact Sciences
Classification: Uncertain significance for BBS9-related condition. Last evaluated: 2024-02-24. Review status: no assertion criteria provided. Collection method: clinical testing. Allele origin: germline. Not counted in ClinVar's aggregate classification.
Comment: The BBS9 c.1582A>G variant is predicted to result in the amino acid substitution p.Arg528Gly. To our knowledge, this variant has not been reported in the literature. This variant is reported in 0.0071% of alleles in individuals of European (Non-Finnish) descent in gnomAD. At this time, the clinical significance of this variant is uncertain due to the absence of conclusive functional and genetic evidence.